The following is an entry in ClinVar:

NM_001164508.2(NEB):c.352G>T (p.Asp118Tyr)

Gene: NEB (nebulin; minus strand). Cytogenetic location: 2q23.3.
Variant type: single nucleotide variant.
Coding change: c.352G>T on transcript NM_001164508.2 (MANE Select); coding-DNA position 352, G replaced by T.
Protein change: p.Asp118Tyr; replaces aspartic acid 118 with tyrosine.
Molecular consequence: missense variant.
Genome position (GRCh38, 1-based): chr2:151,725,503, C>A on the plus strand (G>T on the coding strand, the complement: NEB is on the minus strand). VCF-style: chr2-151725503-C-A. GRCh37 (hg19) VCF-style: chr2-152582017-C-A.
Other names: c.352G>T, p.Asp118Tyr (NM_001164507.2, NM_001271208.2, NM_004543.5); short protein forms D118Y.
Identifiers: ClinVar variation 2006728 (VCV002006728.1), dbSNP rs2552279986, ClinGen allele CA348793642.

ClinVar aggregate classification (germline): Uncertain significance (1 of 4 stars; one submission).

Conditions:
Nemaline myopathy 2 (NEM2). Also called: Nemaline myopathy 2, autosomal recessive. Identifiers: MedGen C1850569, MONDO:0009725, OMIM 256030.

Submission:

Labcorp Genetics (formerly Invitae), Labcorp
Classification: Uncertain significance for Nemaline myopathy 2. Last evaluated: 2022-06-14. Review status: criteria provided, single submitter. Criteria: Invitae Variant Classification Sherloc (09022015). Collection method: clinical testing. Allele origin: germline.
Comment: This sequence change replaces aspartic acid, which is acidic and polar, with tyrosine, which is neutral and polar, at codon 118 of the NEB protein (p.Asp118Tyr). This variant is not present in population databases (gnomAD no frequency). This variant has not been reported in the literature in individuals affected with NEB-related conditions. Algorithms developed to predict the effect of missense changes on protein structure and function are either unavailable or do not agree on the potential impact of this missense change (SIFT: "Deleterious"; PolyPhen-2: "Not Available"; Align-GVGD: "Class C0"). In summary, the available evidence is currently insufficient to determine the role of this variant in disease. Therefore, it has been classified as a Variant of Uncertain Significance.